The following is an entry in ClinVar:

ClinVar aggregate classification (germline): Conflicting classifications of pathogenicity. Review status: criteria provided, conflicting classifications (1 of 4 stars). 26 submissions from 25 submitters: Uncertain significance (10); Likely benign (9). 7 of the submissions do not count toward it. Last evaluated 2026-03-30.

Conditions:
MYBPC3-related disorder. Also called: MYBPC3-related disorders; MYBPC3-related condition; MYBPC3-related disease.
Cardiovascular phenotype. Identifiers: MedGen CN230736.
Left ventricular noncompaction 10 (LVNC10). Identifiers: Orphanet 154, Orphanet 54260, MedGen C3715165, MONDO:0014163, OMIM 615396.
Cardiomyopathy (CMYO). Also called: Cardiomyopathies. Identifiers: Orphanet 167848, MedGen C0878544, MONDO:0004994, HP:0001638. Inheritance: Various modes of inheritance.
Hypertrophic cardiomyopathy 4. Also called: Familial hypertrophic cardiomyopathy 4. Identifiers: MedGen C1861862, MONDO:0007268, OMIM 115197.
Primary dilated cardiomyopathy (DCM). Also called: Dilated Cardiomyopathy. Identifiers: Orphanet 217604, MedGen C0007193, MeSH D002311, MONDO:0005021, HP:0001644. Inheritance: Various modes of inheritance.
Hypertrophic cardiomyopathy. Also called: HYPERTROPHIC MYOCARDIOPATHY. Identifiers: Orphanet 217569, MedGen C0007194, MeSH D002312, MONDO:0005045, HP:0001639.

Allele frequency attached by ClinVar (database versions not stated): 1000 Genomes Project 0.00020; gnomAD 0.00024 and 0.00025; TOPMed 0.00026; 1000 Genomes Project 30x 0.00031; ESP Exome Variant Server 0.00039.
gnomAD v4.1: 700 of 1,608,044 alleles (0.044%); highest among the groups gnomAD compares: Non-Finnish European, 0.053%; 1 homozygote.

Submissions 1 to 17 of 26:

PreventionGenetics, part of Exact Sciences
Classification: Likely benign for MYBPC3-related condition. Last evaluated: 2026-03-30. Review status: criteria provided, single submitter. Criteria: ACMG Guidelines, 2015. Collection method: clinical testing. Allele origin: germline.
Comment: This variant is classified as likely benign based on ACMG/AMP sequence variant interpretation guidelines (Richards et al. 2015 PMID: 25741868, with internal and published modifications).

Women's Health and Genetics/Laboratory Corporation of America, LabCorp
Classification: Uncertain significance. Last evaluated: 2026-03-03. Review status: criteria provided, single submitter. Criteria: LabCorp Variant Classification Summary - May 2015. Collection method: clinical testing. Allele origin: germline.
Comment: Variant summary: MYBPC3 c.961G>A (p.Val321Met) results in a conservative amino acid change in the encoded protein sequence. Algorithms developed to predict the effect of missense changes on protein structure and function are either unavailable or do not agree on the potential impact of this missense change. The variant allele was found at a frequency of 0.00034 in 238522 control chromosomes, predominantly at a frequency of 0.00057 within the Non-Finnish European subpopulation in the gnomAD database. This frequency is not significantly higher than estimated for disease-causing variants in MYBPC3, allowing no conclusion about variant significance. c.961G>A has been observed in individual affected with Cardiomyopathy, without strong evidence of causality (example: Lopes_2013, Andreasen_2013, Wang_ 2014, Maron_2012, McGurk_2023, Millar_2013, Stava_2022, Waldmuller_2011, Khnisch_2019, Field_ 2022). These reports do not provide unequivocal conclusions about association of the variant with Cardiomyopathy. To our knowledge, no experimental evidence demonstrating an impact on protein function has been reported. The following publications have been ascertained in the context of this evaluation (PMID: 23299917, 34400558, 31568572, 23396983, 21839045, 37652022, 23054336, 27930701, 35653365, 21750094, 25132132). ClinVar contains an entry for this variant (Variation ID: 161310). Based on the evidence outlined above, the variant was classified as VUS-possibly benign.

Labcorp Genetics (formerly Invitae), Labcorp
Classification: Likely benign for Hypertrophic cardiomyopathy. Last evaluated: 2026-01-27. Review status: criteria provided, single submitter. Criteria: Invitae Variant Classification Sherloc (09022015). Collection method: clinical testing. Allele origin: germline.

GeneDx
Classification: Likely benign. Last evaluated: 2025-10-30. Review status: criteria provided, single submitter. Criteria: GeneDx Variant Classification Process June 2021. Collection method: clinical testing. Allele origin: germline. Affected: yes.
Comment: See Variant Classification Assertion Criteria.

Molecular Diagnostic Laboratory for Inherited Cardiovascular Disease, Montreal Heart Institute
Classification: Uncertain significance for Cardiovascular phenotype. Last evaluated: 2025-04-08. Review status: criteria provided, single submitter. Criteria: ACMG Guidelines, 2015. Collection method: clinical testing. Allele origin: germline. Affected: yes.
Comment: PS4_mod, PS3_supp, PP3

Blueprint Genetics
Classification: Likely benign. Last evaluated: 2024-09-25. Review status: criteria provided, single submitter. Criteria: ACMG Guidelines, 2015. Collection method: clinical testing. Allele origin: germline.

All of Us Research Program, National Institutes of Health
Classification: Likely benign for Hypertrophic cardiomyopathy. Last evaluated: 2024-09-23. Review status: criteria provided, single submitter. Criteria: ACMG Guidelines, 2015. Collection method: clinical testing. Allele origin: germline. Inheritance: Autosomal dominant inheritance. Observed: 118 variant alleles, 118 heterozygotes.
Comment: This study involves interpretation of variants in research participants for the purpose of population health screening. Participant phenotype was not available at the time of variant classification. Additional details can be found in publication PMID: 35346344, PMCID: PMC8962531

KardioGenetik, Herz- und Diabeteszentrum NRW
Classification: Uncertain significance for Hypertrophic cardiomyopathy 4. Last evaluated: 2023-10-09. Review status: criteria provided, single submitter. Criteria: ACMG Guidelines, 2015. Collection method: clinical testing. Allele origin: unknown. Observed: 1 variant allele.

CHEO Genetics Diagnostic Laboratory, Children's Hospital of Eastern Ontario
Classification: Likely benign for Cardiomyopathy. Last evaluated: 2023-05-26. Review status: criteria provided, single submitter. Criteria: ACMG Guidelines, 2015. Collection method: clinical testing. Allele origin: germline.

Ambry Genetics
Classification: Likely benign for Cardiovascular phenotype. Last evaluated: 2022-08-03. Review status: criteria provided, single submitter. Criteria: Ambry Variant Classification Scheme 2023. Collection method: clinical testing. Allele origin: germline.

Color Diagnostics, LLC DBA Color Health
Classification: Likely benign for Cardiomyopathy. Last evaluated: 2019-12-01. Review status: criteria provided, single submitter. Criteria: ACMG Guidelines, 2015. Collection method: clinical testing. Allele origin: germline.

Mendelics
Classification: Uncertain significance for Hypertrophic cardiomyopathy 4. Last evaluated: 2019-05-28. Review status: criteria provided, single submitter. Criteria: Mendelics Assertion Criteria 2017. Collection method: clinical testing. Allele origin: unknown.

ARUP Laboratories, Molecular Genetics and Genomics, ARUP Laboratories
Classification: Uncertain significance. Last evaluated: 2019-01-11. Review status: criteria provided, single submitter. Criteria: ARUP Molecular Germline Variant Investigation Process. Collection method: clinical testing. Allele origin: germline.
Comment: The MYBPC3 c.961G>A; p.Val321Met variant (rs200119454) is reported in the literature in multiple individuals affected with dilated and hypertrophic cardiomyopathy (Waldmuller 2011, lopes 2013 and Lopes 2015). However, multiple papers have suggested that this variant may be too frequent to cause cardiomyopathy without additional factors (Andreasen 2013, Maxwell 2016, Nouhravesh 2016 and Whiffin 2017). This variant is found in the general population with an overall allele frequency of 0.03 % (89/269,910 alleles) in the Genome Aggregation Database. The valine at codon 321 is highly conserved, and computational analyses (SIFT, PolyPhen-2) predict that this variant is deleterious. Due to conflicting information, the clinical significance of the p.Val321Met variant is uncertain at this time.

Center for Advanced Laboratory Medicine, UC San Diego Health, University of California San Diego
Classification: Uncertain significance for Cardiomyopathy. Last evaluated: 2017-09-08. Review status: criteria provided, single submitter. Criteria: ACMG Guidelines, 2015. Collection method: clinical testing. Allele origin: germline. Affected: yes. Observed: 1 variant allele.

Illumina Laboratory Services, Illumina
Classification: Uncertain significance for Hypertrophic cardiomyopathy 4. Last evaluated: 2017-04-27. Review status: criteria provided, single submitter. Criteria: ICSL Variant Classification Criteria 13 December 2019. Collection method: clinical testing. Allele origin: germline.
Comment: This variant was observed as part of a predisposition screen in an ostensibly healthy population. A literature search was performed for the gene, cDNA change, and amino acid change (where applicable). Publications were found based on this search. However, the evidence from the literature, in combination with allele frequency data from public databases where available, was not sufficient to rule this variant in or out of causing disease. Therefore, this variant is classified as a variant of unknown significance.

Illumina Laboratory Services, Illumina
Classification: Likely benign for Left ventricular noncompaction 10. Last evaluated: 2017-04-27. Review status: criteria provided, single submitter. Criteria: ICSL Variant Classification Criteria 13 December 2019. Collection method: clinical testing. Allele origin: germline.
Comment: This variant was observed as part of a predisposition screen in an ostensibly healthy population. A literature search was performed for the gene, cDNA change, and amino acid change (where applicable). No publications were found based on this search. Allele frequency data from public databases allowed determination this variant is unlikely to cause disease. Therefore, this variant is classified as likely benign.

CeGaT Center for Human Genetics Tuebingen
Classification: Uncertain significance. Last evaluated: 2016-09-01. Review status: criteria provided, single submitter. Criteria: CeGaT Center For Human Genetics Tuebingen Variant Classification Criteria Version 2. Collection method: clinical testing. Allele origin: germline. Affected: yes. Observed: 1 variant allele.

NM_000256.3(MYBPC3):c.961G>A (p.Val321Met)

Gene: MYBPC3 (myosin binding protein C3; minus strand). Cytogenetic location: 11p11.2.
Variant type: single nucleotide variant.
Coding change: c.961G>A on transcript NM_000256.3 (MANE Select); coding-DNA position 961, G replaced by A.
Protein change: p.Val321Met; replaces valine 321 with methionine.
Molecular consequence: missense variant.
Genome position (GRCh38, 1-based): chr11:47,346,336, C>T on the plus strand (G>A on the coding strand, the complement: MYBPC3 is on the minus strand). VCF-style: chr11-47346336-C-T. GRCh37 (hg19) VCF-style: chr11-47367887-C-T.
Other names: p.V321M:GTG>ATG; short protein forms V321M.
Identifiers: ClinVar variation 161310 (VCV000161310.94), dbSNP rs200119454, ClinGen allele CA016189.
Genomic context (GRCh38, chr11:47,346,336, plus strand): 5'-CGTACTGGAAGGCGATGCGCTCGTACTCAGATGGGGGTGCCTGCCGTAGGATCTCCCACA[C>T]GTCCTCCTCTGCTGGTGCCTCCAGCTTCGAGTCCCTGTGTCCCGCAGTCTAGGCTGTGGC-3'
Protein context (NP_000247.2, residues 311-331): SKLEAPAEED[Val321Met]WEILRQAPPS